The following is an entry in ClinVar:

NM_022455.5(NSD1):c.4782T>A (p.Phe1594Leu)

Gene: NSD1 (nuclear receptor binding SET domain protein 1; plus strand). Cytogenetic location: 5q35.3.
Variant type: single nucleotide variant.
Coding change: c.4782T>A on transcript NM_022455.5 (MANE Select); coding-DNA position 4782, T replaced by A.
Protein change: p.Phe1594Leu; replaces phenylalanine 1594 with leucine.
Molecular consequence: missense variant.
Genome position (GRCh38, 1-based): chr5:177,256,967, T>A. VCF-style: chr5-177256967-T-A. GRCh37 (hg19) VCF-style: chr5-176683968-T-A.
Other names: c.3909T>A, p.Phe1303Leu (NM_001365684.2, NM_001409308.1, NM_001409309.1 and 1 more transcripts); c.4782T>A, p.Phe1594Leu (NM_001409301.1, NM_001409302.1, NM_001409303.1); c.4362T>A, p.Phe1454Leu (NM_001409304.1); c.4029T>A, p.Phe1343Leu (NM_001409305.1); c.4020T>A, p.Phe1340Leu (NM_001409306.1, NM_001409307.1); short protein forms F1303L, F1340L, F1594L, F1343L, F1454L.
Identifiers: ClinVar variation 3407975 (VCV003407975.2).

ClinVar aggregate classification (germline): Uncertain significance (1 of 4 stars; one submission).

Conditions:
Inborn genetic diseases. Identifiers: MedGen C0950123, MeSH D030342.

Submission:

Ambry Genetics
Classification: Uncertain significance for Inborn genetic diseases. Last evaluated: 2025-01-02. Review status: criteria provided, single submitter. Criteria: Ambry Variant Classification Scheme 2023. Collection method: clinical testing. Allele origin: germline.
Comment: The c.4782T>A (p.F1594L) alteration is located in exon 13 (coding exon 12) of the NSD1 gene. This alteration results from a T to A substitution at nucleotide position 4782, causing the phenylalanine (F) at amino acid position 1594 to be replaced by a leucine (L). This variant was not reported in population-based cohorts in the Genome Aggregation Database (gnomAD). This amino acid position is highly conserved in available vertebrate species. This missense alteration is located in a region that has a low rate of benign missense variation (Lek, 2016; Firth, 2009). This alteration is predicted to be deleterious by in silico analysis. Based on insufficient or conflicting evidence, the clinical significance of this alteration remains unclear.